The following is an entry in ClinVar:

ClinVar aggregate classification (germline): Uncertain significance (1 of 4 stars; one submission).

Submission:

Labcorp Genetics (formerly Invitae), Labcorp
Classification: Uncertain significance. Last evaluated: 2023-08-09. Review status: criteria provided, single submitter. Criteria: Invitae Variant Classification Sherloc (09022015). Collection method: clinical testing. Allele origin: germline.
Comment: In summary, the available evidence is currently insufficient to determine the role of this variant in disease. Therefore, it has been classified as a Variant of Uncertain Significance. Advanced modeling of protein sequence and biophysical properties (such as structural, functional, and spatial information, amino acid conservation, physicochemical variation, residue mobility, and thermodynamic stability) performed at Invitae indicates that this missense variant is not expected to disrupt KRT6B protein function. This variant has not been reported in the literature in individuals affected with KRT6B-related conditions. This variant is not present in population databases (gnomAD no frequency). This sequence change replaces phenylalanine, which is neutral and non-polar, with isoleucine, which is neutral and non-polar, at codon 183 of the KRT6B protein (p.Phe183Ile).

NM_005555.4(KRT6B):c.547T>A (p.Phe183Ile)

Gene: KRT6B (keratin 6B; minus strand). Cytogenetic location: 12q13.13.
Variant type: single nucleotide variant.
Coding change: c.547T>A on transcript NM_005555.4 (MANE Select); coding-DNA position 547, T replaced by A.
Protein change: p.Phe183Ile; replaces phenylalanine 183 with isoleucine.
Molecular consequence: missense variant.
Genome position (GRCh38, 1-based): chr12:52,450,614, A>T on the plus strand (T>A on the coding strand, the complement: KRT6B is on the minus strand). VCF-style: chr12-52450614-A-T. GRCh37 (hg19) VCF-style: chr12-52844398-A-T.
Other names: short protein forms F183I.
Identifiers: ClinVar variation 2883624 (VCV002883624.3), dbSNP rs1384016130, ClinGen allele CA384925916.